The following is an entry in ClinVar:

NM_002485.5(NBN):c.481-1G>A

Gene: NBN (nibrin; minus strand). Cytogenetic location: 8q21.3.
Variant type: single nucleotide variant.
Coding change: c.481-1G>A on transcript NM_002485.5 (MANE Select); the canonical splice acceptor site of the intron before coding-DNA position 481, G replaced by A.
Molecular consequence: splice acceptor variant.
Genome position (GRCh38, 1-based): chr8:89,978,324, C>T on the plus strand (G>A on the coding strand, the complement: NBN is on the minus strand). VCF-style: chr8-89978324-C-T. GRCh37 (hg19) VCF-style: chr8-90990552-C-T.
Other names: c.235-1G>A (NM_001024688.3).
Identifiers: ClinVar variation 1743290 (VCV001743290.2), dbSNP rs2488344564, ClinGen allele CA371660741.

ClinVar aggregate classification (germline): Likely pathogenic (1 of 4 stars; one submission).

Conditions:
Hereditary cancer-predisposing syndrome. Also called: Hereditary Cancer Syndrome; Neoplastic Syndromes, Hereditary; Tumor predisposition; Hereditary neoplastic syndrome. Identifiers: Orphanet 140162, MedGen C0027672, MeSH D009386, MONDO:0015356.

Allele frequency attached by ClinVar (database versions not stated): gnomAD exomes below 0.00001.
gnomAD v4.1: 1 of 1,583,246 alleles (0.000063%); highest among the groups gnomAD compares: East Asian, 0.0022%; no homozygotes.

Submission:

Ambry Genetics
Classification: Likely pathogenic for Hereditary cancer-predisposing syndrome. Last evaluated: 2022-05-24. Review status: criteria provided, single submitter. Criteria: Ambry Variant Classification Scheme 2023. Collection method: clinical testing. Allele origin: germline.
Comment: The c.481-1G>A intronic variant results from a G to A substitution one nucleotide before coding exon 5 of the NBN gene. Alterations that disrupt the canonical splice site are expected to cause aberrant splicing, resulting in an abnormal protein or a transcript that is subject to nonsense-mediated mRNA decay. In silico splice site analysis predicts that this alteration will weaken the native splice acceptor site. RNA studies have demonstrated that this alteration results in abnormal splicing in the set of samples tested (Ambry internal data). In one study, this alteration was identified in an individual with a family history of breast cancer.(Ramus SJ et al. J Natl Cancer Inst, 2015 Nov;107). This variant is considered to be rare based on population cohorts in the Genome Aggregation Database (gnomAD). This nucleotide position is highly conserved in available vertebrate species. As such, this alteration is classified as likely pathogenic.

Literature cited by the submitters: PubMed 26315354.